The following is an entry in ClinVar:

NM_001009999.3(KDM1A):c.2212A>G (p.Ile738Val)

Gene: KDM1A (lysine demethylase 1A; plus strand). Cytogenetic location: 1p36.12.
Variant type: single nucleotide variant.
Coding change: c.2212A>G on transcript NM_001009999.3 (MANE Select); coding-DNA position 2212, A replaced by G.
Protein change: p.Ile738Val; replaces isoleucine 738 with valine.
Molecular consequence: missense variant.
Genome position (GRCh38, 1-based): chr1:23,081,487, A>G. VCF-style: chr1-23081487-A-G. GRCh37 (hg19) VCF-style: chr1-23407980-A-G.
Other names: c.2158A>G, p.Ile720Val (NM_001363654.2); c.2218A>G, p.Ile740Val (NM_001410762.1); c.2140A>G, p.Ile714Val (NM_001410763.1, NM_015013.4); short protein forms I720V, I740V, I738V, I714V.
Identifiers: ClinVar variation 4826111 (VCV004826111.1).

ClinVar aggregate classification (germline): Uncertain significance (1 of 4 stars; one submission).

Conditions:
Inborn genetic diseases. Identifiers: MedGen C0950123, MeSH D030342.

Submission:

Ambry Genetics
Classification: Uncertain significance for Inborn genetic diseases. Last evaluated: 2026-02-25. Review status: criteria provided, single submitter. Criteria: Ambry Variant Classification Scheme 2023. Collection method: clinical testing. Allele origin: germline.
Comment: The p.I738V variant (also known as c.2212A>G), located in coding exon 19 of the KDM1A gene, results from an A to G substitution at nucleotide position 2212. The isoleucine at codon 738 is replaced by valine, an amino acid with highly similar properties. This amino acid position is conserved. In addition, the in silico prediction for this alteration is inconclusive. Based on the available evidence, the clinical significance of this variant remains unclear.